The following is an entry in ClinVar:

ClinVar aggregate classification (germline): Uncertain significance (1 of 4 stars; one submission).

Conditions:
Neuropathy, hereditary sensory and autonomic, type 2A (HSAN2A). Also called: WNK1-Related HSAN2 (HSAN2A); ACROOSTEOLYSIS, GIACCAI TYPE; ACROOSTEOLYSIS, NEUROGENIC; NEUROPATHY, CONGENITAL SENSORY; NEUROPATHY, HEREDITARY SENSORY RADICULAR, AUTOSOMAL RECESSIVE; NEUROPATHY, HEREDITARY SENSORY, TYPE IIA. Identifiers: Orphanet 970, MedGen C2752089, MONDO:0024309, OMIM 201300.
Generalized epilepsy with febrile seizures plus, type 7 (GEFSP7). Also called: GEFS+, TYPE 7. Identifiers: Orphanet 36387, MedGen C2751778, MONDO:0013470, OMIM 613863.

Submission:

Labcorp Genetics (formerly Invitae), Labcorp
Classification: Uncertain significance for Neuropathy, hereditary sensory and autonomic, type 2A; Generalized epilepsy with febrile seizures plus, type 7. Last evaluated: 2022-08-24. Review status: criteria provided, single submitter. Criteria: Invitae Variant Classification Sherloc (09022015). Collection method: clinical testing. Allele origin: germline.
Comment: This sequence change replaces lysine, which is basic and polar, with arginine, which is basic and polar, at codon 33 of the SCN9A protein (p.Lys33Arg). This variant is not present in population databases (gnomAD no frequency). This variant has not been reported in the literature in individuals affected with SCN9A-related conditions. Algorithms developed to predict the effect of missense changes on protein structure and function are either unavailable or do not agree on the potential impact of this missense change (SIFT: "Deleterious"; PolyPhen-2: "Benign"; Align-GVGD: "Class C0"). In summary, the available evidence is currently insufficient to determine the role of this variant in disease. Therefore, it has been classified as a Variant of Uncertain Significance.

NM_001365536.1(SCN9A):c.98A>G (p.Lys33Arg)

Gene: SCN9A (sodium voltage-gated channel alpha subunit 9; minus strand). Cytogenetic location: 2q24.3.
Variant type: single nucleotide variant.
Coding change: c.98A>G on transcript NM_001365536.1 (MANE Select); coding-DNA position 98, A replaced by G.
Protein change: p.Lys33Arg; replaces lysine 33 with arginine.
Molecular consequence: missense variant.
Genome position (GRCh38, 1-based): chr2:166,311,659, T>C on the plus strand (A>G on the coding strand, the complement: SCN9A is on the minus strand). VCF-style: chr2-166311659-T-C. GRCh37 (hg19) VCF-style: chr2-167168169-T-C.
Other names: c.98A>G, p.Lys33Arg (NM_002977.4); short protein forms K33R.
Identifiers: ClinVar variation 2071576 (VCV002071576.4), dbSNP rs2468155085, ClinGen allele CA349096116.
Genomic context (GRCh38, chr2:166,311,659, plus strand): 5'-AAGTCACTGCTTGGCTTTGGGGCTTCTTCATCATCATCTTTCTTTTCTTCTTTGGGTTCC[T>C]TTGATTTTCTTTCAGCAATGCGTTGTTCAATGAGGGCAAGAGACTGTTTTGTGAAATGGA-3'
Protein context (NP_001352465.1, residues 23-43): IEQRIAERKS[Lys33Arg]EPKEEKKDDD